The following is an entry in ClinVar:

NM_000465.4(BARD1):c.1677+5G>A

Gene: BARD1 (BRCA1 associated RING domain 1; minus strand). Cytogenetic location: 2q35.
Variant type: single nucleotide variant.
Coding change: c.1677+5G>A on transcript NM_000465.4 (MANE Select); 5 bases into the intron after coding-DNA position 1677, G replaced by A.
Molecular consequence: intron variant.
Genome position (GRCh38, 1-based): chr2:214,752,442, C>T on the plus strand (G>A on the coding strand, the complement: BARD1 is on the minus strand). VCF-style: chr2-214752442-C-T. GRCh37 (hg19) VCF-style: chr2-215617166-C-T.
Other names: IVS7+5G>A; c.267+5G>A (NM_001282548.2); c.1620+5G>A (NM_001282543.2); c.324+5G>A (NM_001282545.2); c.365-21934G>A (NM_001282549.2); c.1677+5G>A (LRG_297t1).
Identifiers: ClinVar variation 127718 (VCV000127718.24), dbSNP rs587780019, ClinGen allele CA287517.

ClinVar aggregate classification (germline): Conflicting classifications of pathogenicity. Review status: criteria provided, conflicting classifications (1 of 4 stars). 9 submissions from 9 submitters: Pathogenic (2); Likely pathogenic (2); Uncertain significance (5). Last evaluated 2025-10-27.

Conditions:
BARD1-related cancer predisposition. Identifiers: MedGen CN377756, MONDO:0700267.
Hereditary cancer-predisposing syndrome. Also called: Hereditary Cancer Syndrome; Hereditary neoplastic syndrome; Tumor predisposition; Neoplastic Syndromes, Hereditary. Identifiers: Orphanet 140162, MedGen C0027672, MeSH D009386, MONDO:0015356.
Familial cancer of breast. Also called: BREAST CANCER, FAMILIAL; hereditary breast carcinoma; Hereditary breast cancer. Identifiers: Orphanet 227535, MedGen C0346153, MONDO:0016419, OMIM 114480. Disease mechanism: loss of function.
Malignant tumor of breast. Also called: Malignant breast neoplasm; Cancer breast. Identifiers: MedGen C0006142, MONDO:0007254. Disease mechanism: loss of function.

gnomAD v4.1: 11 of 1,598,350 alleles (0.00069%); highest among the groups gnomAD compares: African/African-American, 0.0013%; no homozygotes.

Submissions (9):

Labcorp Genetics (formerly Invitae), Labcorp
Classification: Pathogenic for Familial cancer of breast. Last evaluated: 2025-10-27. Review status: criteria provided, single submitter. Criteria: Invitae Variant Classification Sherloc (09022015). Collection method: clinical testing. Allele origin: germline.
Comment: This sequence change falls in intron 7 of the BARD1 gene. It does not directly change the encoded amino acid sequence of the BARD1 protein. RNA analysis indicates that this variant induces altered splicing and may result in an absent or altered protein product. This variant is not present in population databases (gnomAD no frequency). This variant has been observed in individual(s) with breast cancer (PMID: 34326862). ClinVar contains an entry for this variant (Variation ID: 127718). Variants that disrupt the consensus splice site are a relatively common cause of aberrant splicing (PMID: 17576681, 9536098). Studies have shown that this variant results in skipping of exon 7, and produces a non-functional protein and/or introduces a premature termination codon (internal data). For these reasons, this variant has been classified as Pathogenic.

Ambry Genetics
Classification: Uncertain significance for Hereditary cancer-predisposing syndrome. Last evaluated: 2025-07-21. Review status: criteria provided, single submitter. Criteria: Ambry Variant Classification Scheme 2023. Collection method: clinical testing. Allele origin: germline.
Comment: The c.1677+5G>A intronic variant results from a G to A substitution 5 nucleotides after coding exon 7 in the BARD1 gene. This nucleotide position is highly conserved in available vertebrate species. In silico splice site analysis predicts that this alteration will weaken the native splice donor site. RNA studies have demonstrated that this alteration results in a splice defect; the clinical impact of this abnormal splicing is unknown at this time (Ambry internal data). Based on the available evidence, the clinical significance of this variant remains unclear.

Center for Genomic Medicine, Rigshospitalet, Copenhagen University Hospital
Classification: Uncertain significance. Last evaluated: 2025-03-04. Review status: criteria provided, single submitter. Criteria: ACMG Guidelines, 2015. Collection method: clinical testing. Allele origin: germline.

Myriad Genetics, Inc.
Classification: Likely pathogenic for Familial cancer of breast. Last evaluated: 2025-02-24. Review status: criteria provided, single submitter. Criteria: Myriad Autosomal Dominant, Autosomal Recessive and X-Linked Classification Criteria (2023). Collection method: clinical testing. Allele origin: unknown.
Comment: This variant is considered likely pathogenic. mRNA analysis has demonstrated abnormal mRNA splicing occurs [Myriad internal data].

Women's Health and Genetics/Laboratory Corporation of America, LabCorp
Classification: Pathogenic for Malignant tumor of breast. Last evaluated: 2024-12-24. Review status: criteria provided, single submitter. Criteria: LabCorp Variant Classification Summary - May 2015. Collection method: clinical testing. Allele origin: germline.
Comment: Variant summary: BARD1 c.1677+5G>A alters a conserved nucleotide located close to a canonical splice site and therefore could affect mRNA splicing, leading to a significantly altered protein sequence. Several computational tools predict a significant impact on normal splicing: Four predict the variant abolishes the canonial 5' splicing donor site. Internal RNA analysis provides experimental evidence that this variant affects mRNA splicing resulting in the skipping of exon 7 producing a non-functional protein and/or introducing a premature termination codon [r.1569_1677del (p.Asn524*), internal data]. Loss of Function (LOF) variants in BARD1 are an established mechanism of disease. The variant was absent in 251290 control chromosomes. c.1677+5G>A has been reported in the literature in at-least one individual affected with Breast Cancer (Bhai_2021). At-least one co-occurrence with another pathogenic variant(s) has been reported in this individual [CHEK2 c.1100delC, p.(Thr367Metfs*15)]. Although, this co-occurrence is not weighted in the context of this evaluation. The following publications have been ascertained in the context of this evaluation (PMID: 34326862). ClinVar contains an entry for this variant (Variation ID: 127718). Based on the evidence outlined above, the variant was classified as pathogenic.

Molecular Pathology, Peter Maccallum Cancer Centre
Classification: Uncertain significance for BARD1-related cancer predisposition. Last evaluated: 2024-12-09. Review status: criteria provided, single submitter. Criteria: ACMG Guidelines, 2015. Collection method: clinical testing. Allele origin: germline. Inheritance: Autosomal dominant inheritance.

Baylor Genetics
Classification: Uncertain significance for Familial cancer of breast. Last evaluated: 2024-01-05. Review status: criteria provided, single submitter. Criteria: ACMG Guidelines, 2015. Collection method: clinical testing. Allele origin: unknown.

GeneDx
Classification: Likely pathogenic. Last evaluated: 2023-04-25. Review status: criteria provided, single submitter. Criteria: GeneDx Variant Classification Process June 2021. Collection method: clinical testing. Allele origin: germline. Affected: yes.
Comment: Intronic +5 splice site variant in a gene for which loss of function is a known mechanism of disease, and splice predictors support a deleterious effect; Not observed at significant frequency in large population cohorts (gnomAD); Has not been previously published as pathogenic or benign to our knowledge

Color Diagnostics, LLC DBA Color Health
Classification: Uncertain significance for Hereditary cancer-predisposing syndrome. Last evaluated: 2019-03-26. Review status: criteria provided, single submitter. Criteria: ACMG Guidelines, 2015. Collection method: clinical testing. Allele origin: germline.

Literature cited by the submitters: PubMed 34326862 (cited by 3 submitters); PubMed 17576681 (cited by Labcorp Genetics (formerly Invitae), Labcorp); PubMed 9536098 (cited by Labcorp Genetics (formerly Invitae), Labcorp).